The following is an entry in ClinVar:

NM_014915.3(ANKRD26):c.3986A>G (p.Lys1329Arg)

Gene: ANKRD26 (ankyrin repeat domain 26; minus strand). Cytogenetic location: 10p12.1.
Variant type: single nucleotide variant.
Coding change: c.3986A>G on transcript NM_014915.3 (MANE Select); coding-DNA position 3986, A replaced by G.
Protein change: p.Lys1329Arg; replaces lysine 1329 with arginine.
Molecular consequence: missense variant.
Genome position (GRCh38, 1-based): chr10:27,024,546, T>C on the plus strand (A>G on the coding strand, the complement: ANKRD26 is on the minus strand). VCF-style: chr10-27024546-T-C. GRCh37 (hg19) VCF-style: chr10-27313475-T-C.
Other names: c.3983A>G, p.Lys1328Arg (NM_001256053.2); short protein forms K1328R, K1329R.
Identifiers: ClinVar variation 4734150 (VCV004734150.1).

ClinVar aggregate classification (germline): Uncertain significance (1 of 4 stars; one submission).

gnomAD v4.1: 2 of 1,557,532 alleles (0.00013%); highest among the groups gnomAD compares: Non-Finnish European, 0.000088%; no homozygotes.

Submission:

Labcorp Genetics (formerly Invitae), Labcorp
Classification: Uncertain significance. Last evaluated: 2026-01-24. Review status: criteria provided, single submitter. Criteria: Invitae Variant Classification Sherloc (09022015). Collection method: clinical testing. Allele origin: germline.
Comment: This sequence change replaces lysine, which is basic and polar, with arginine, which is basic and polar, at codon 1329 of the ANKRD26 protein (p.Lys1329Arg). This variant is not present in population databases (gnomAD no frequency). This variant has not been reported in the literature in individuals affected with ANKRD26-related conditions. An algorithm developed to predict the effect of missense changes on protein structure and function outputs the following: PolyPhen-2: "Benign". The arginine amino acid residue is found in multiple mammalian species, which suggests that this missense change does not adversely affect protein function. In summary, the available evidence is currently insufficient to determine the role of this variant in disease. Therefore, it has been classified as a Variant of Uncertain Significance.